The following is an entry in ClinVar:

NM_000152.5(GAA):c.2080G>T (p.Ala694Ser)

Gene: GAA (alpha glucosidase; plus strand). Cytogenetic location: 17q25.3.
Variant type: single nucleotide variant.
Coding change: c.2080G>T on transcript NM_000152.5 (MANE Select); coding-DNA position 2080, G replaced by T.
Protein change: p.Ala694Ser; replaces alanine 694 with serine.
Molecular consequence: missense variant.
Genome position (GRCh38, 1-based): chr17:80,113,257, G>T. VCF-style: chr17-80113257-G-T. GRCh37 (hg19) VCF-style: chr17-78087056-G-T.
Other names: c.2080G>T, p.Ala694Ser (NM_001079803.3, NM_001079804.3, NM_001406741.1 and 1 more transcripts); short protein forms A694S.
Identifiers: ClinVar variation 3702230 (VCV003702230.2).

ClinVar aggregate classification (germline): Uncertain significance (1 of 4 stars; one submission).

Conditions:
Glycogen storage disease, type II (IOPD). Also called: GLYCOGENOSIS, GENERALIZED, CARDIAC FORM; POMPE DISEASE, INFANTILE-ONSET; GLYCOGEN STORAGE DISEASE II, INFANTILE-ONSET; ACID ALPHA-GLUCOSIDASE DEFICIENCY, INFANTILE-ONSET; GAA DEFICIENCY, INFANTILE-ONSET; ACID MALTASE DEFICIENCY, INFANTILE-ONSET. Identifiers: Orphanet 365, MedGen C0017921, MONDO:0009290, OMIM 232300.

Submission:

Labcorp Genetics (formerly Invitae), Labcorp
Classification: Uncertain significance for Glycogen storage disease, type II. Last evaluated: 2024-03-06. Review status: criteria provided, single submitter. Criteria: Invitae Variant Classification Sherloc (09022015). Collection method: clinical testing. Allele origin: germline.
Comment: This sequence change replaces alanine, which is neutral and non-polar, with serine, which is neutral and polar, at codon 694 of the GAA protein (p.Ala694Ser). This variant is not present in population databases (gnomAD no frequency). This variant has not been reported in the literature in individuals affected with GAA-related conditions. Advanced modeling of protein sequence and biophysical properties (such as structural, functional, and spatial information, amino acid conservation, physicochemical variation, residue mobility, and thermodynamic stability) has been performed at Invitae for this missense variant, however the output from this modeling did not meet the statistical confidence thresholds required to predict the impact of this variant on GAA protein function. In summary, the available evidence is currently insufficient to determine the role of this variant in disease. Therefore, it has been classified as a Variant of Uncertain Significance.